The following is an entry in ClinVar:

NM_000260.4(MYO7A):c.1771_1773del (p.Gln591del)

Gene: MYO7A (myosin VIIA; plus strand). Cytogenetic location: 11q13.5.
Variant type: Deletion.
Coding change: c.1771_1773del on transcript NM_000260.4 (MANE Select); coding-DNA positions 1771 to 1773, 3 bases deleted (CAG; older notation c.1771_1773delCAG).
Protein change: p.Gln591del; deletes glutamine 591.
Genome position (GRCh38, 1-based): chr11:77,166,136-77,166,138, CAG deleted; deleting any 3 consecutive bases within chr11:77,166,134-77,166,138 gives the same sequence; the c. name uses the placement nearest the transcript's 3' end. VCF-style (leftmost placement, unchanged base first): chr11-77166133-AAGC-A. GRCh37 (hg19) VCF-style: chr11-76877179-AAGC-A.
Other names: c.1771_1773del, p.Gln591del (NM_001127180.2); c.1738_1740del, p.Gln580del (NM_001369365.1); short protein forms Q580del, Q591del.
Identifiers: ClinVar variation 4085471 (VCV004085471.8).

ClinVar aggregate classification (germline): Uncertain significance (1 of 4 stars; one submission).

Submission:

CeGaT Center for Human Genetics Tuebingen
Classification: Uncertain significance. Last evaluated: 2025-07-01. Review status: criteria provided, single submitter. Criteria: CeGaT Center For Human Genetics Tuebingen Variant Classification Criteria Version 2. Collection method: clinical testing. Allele origin: germline. Affected: yes. Observed: 1 variant allele.
Comment: MYO7A: PM2, PM4:Supporting